The following is an entry in ClinVar:

ClinVar aggregate classification (germline): Pathogenic. Review status: reviewed by expert panel (3 of 4 stars). 4 submissions from 3 submitters: Pathogenic (1). 3 of the submissions do not count toward it. Last evaluated 2024-02-26.

Conditions:
Recombinase activating gene 2 deficiency. Also called: RAG2 deficiency. Identifiers: MedGen CN257931, MONDO:0000573.
Severe combined immunodeficiency, autosomal recessive, T cell-negative, B cell-negative, NK cell-positive. Also called: SCID, AR, T-cell negative, B-cell negative, NK cell-positive; Severe combined immunodeficiency due to complete RAG1/2 deficiency; SCID, T CELL-NEGATIVE, B CELL-NEGATIVE, NK CELL-POSITIVE. Identifiers: Orphanet 331206, MedGen C1832322, MONDO:0011086, OMIM 601457.
Inborn error of immunity. Also called: Primary immunodeficiency; Inborn errors of immunity. Identifiers: Orphanet 101997, MedGen C0398686, MONDO:0003778.
Severe combined immunodeficiency, B cell-negative. Identifiers: MedGen C1867362.
Histiocytic medullary reticulosis. Also called: SEVERE COMBINED IMMUNODEFICIENCY WITH HYPEREOSINOPHILIA; Omenn syndrome. Identifiers: Orphanet 39041, MedGen C2700553, MONDO:0011338, OMIM 603554.

Submissions (4):

ClinGen Severe Combined Immunodeficiency Variant Curation Expert Panel, ClinGen
Classification: Pathogenic for Recombinase activating gene 2 deficiency. Last evaluated: 2024-02-26. Review status: reviewed by expert panel. Criteria: ClinGen SCID ACMG Specifications RAG2 V1.0.0. Collection method: curation. Allele origin: germline. Inheritance: Autosomal recessive inheritance.
Comment: NM_000536.4(RAG2):c.115A>G is a missense variant predicted to cause substitution of Arginine by Glycine at amino acid 39 (p.Arg39Gly).This missense variant is located in the core domain (amino acids 1-383) (PM1_supporting).The variant is absent in gnomAD v4 (PM2_supporting). Patient with SCID (0.5 pt.), genome sequencing conducted (0.5 pt.),T-B-NK+ lymphocyte subset profile (0.5 pt.) :Total :1.5 pts. PP4 met (PMID: 11313270). This variant was found to segregate in 2 affected siblings from one family (PP1_moderate) (PMID: 11313270).Two patients (PMID: 11313270) were found compound heterozygous for R39G and R229Q (pathogenic variant) ;total : 2pts. (PM3_strong).This variant showed <25 % of wild type activity in In vitro V(D)J recombination assay (PS3_moderate) (PMID: 11313270). In summary, this variant meets the criteria to be classified as a Pathogenic variant for autosomal recessive severe combined immunodeficiency due to RAG2 deficiency based on the ACMG/AMP criteria applied, as specified by the ClinGen SCID VCEP: PM1_supporting,PM2_supporting,PP4 met,PP1_moderate,PM3_strong,PS3_moderate(VCEP specifications version 1).

Pediatric Immunology Service, The Chaim Sheba Medical Center at Tel HaShomer
Classification: Likely pathogenic for RAG2 deficiency; Primary immunodeficiency; Severe combined immunodeficiency due to complete RAG1/2 deficiency. Last evaluated: 2018-03-06. Review status: criteria provided, single submitter. Criteria: ACMG Guidelines, 2015. Collection method: research. Allele origin: germline. Affected: yes. Not counted in ClinVar's aggregate classification.

OMIM
Classification: Pathogenic for SEVERE COMBINED IMMUNODEFICIENCY, B CELL-NEGATIVE. Last evaluated: 2001-05-01. Review status: no assertion criteria provided. Collection method: literature only. Allele origin: germline. Not counted in ClinVar's aggregate classification.

OMIM
Classification: Pathogenic for OMENN SYNDROME. Last evaluated: 2001-05-01. Review status: no assertion criteria provided. Collection method: literature only. Allele origin: germline. Not counted in ClinVar's aggregate classification.

Literature cited by the submitters: PubMed 11313270 (cited by 3 submitters).

NM_000536.4(RAG2):c.115A>G (p.Arg39Gly)

Gene: RAG2 (recombination activating 2; minus strand). Cytogenetic location: 11p12.
Variant type: single nucleotide variant.
Coding change: c.115A>G on transcript NM_000536.4 (MANE Select); coding-DNA position 115, A replaced by G.
Protein change: p.Arg39Gly; replaces arginine 39 with glycine.
Molecular consequence: missense variant.
Genome position (GRCh38, 1-based): chr11:36,594,054, T>C on the plus strand (A>G on the coding strand, the complement: RAG2 is on the minus strand). VCF-style: chr11-36594054-T-C. GRCh37 (hg19) VCF-style: chr11-36615604-T-C.
Other names: NM_000536.4(RAG2):c.115A>G; p.Arg39Gly; c.115A>G, p.Arg39Gly (NM_001243785.2, NM_001243786.2); short protein forms R39G.
Identifiers: ClinVar variation 13136 (VCV000013136.4), dbSNP rs121917897, ClinGen allele CA122867.
Genomic context (GRCh38, chr11:36,594,054, plus strand): 5'-GCTTCAGTTTGACATGGTTATGCTTTACATCCAGATGGAAAACTCCAGTGGGGCAGGATC[T>C]TTTGGGCCAGCCTTTTTGTCCAAAGAAGAAAACTTGTCCATCAAAATTCATCAGTGAGAA-3'
Protein context (NP_000527.2, residues 29-49): FFFGQKGWPK[Arg39Gly]SCPTGVFHLD